The following is an entry in ClinVar:

NM_145059.3(FCSK):c.2235C>A (p.Arg745=)

Gene: FCSK (fucose kinase; plus strand). Cytogenetic location: 16q22.1.
Variant type: single nucleotide variant.
Coding change: c.2235C>A on transcript NM_145059.3 (MANE Select); coding-DNA position 2235, C replaced by A.
Protein change: p.Arg745=; no amino-acid change (arginine 745 retained).
Molecular consequence: synonymous variant.
Genome position (GRCh38, 1-based): chr16:70,474,869, C>A. VCF-style: chr16-70474869-C-A. GRCh37 (hg19) VCF-style: chr16-70508772-C-A.
Identifiers: ClinVar variation 2072273 (VCV002072273.28), dbSNP rs574949266, ClinGen allele CA8143530.

ClinVar aggregate classification (germline): Likely benign. Review status: criteria provided, multiple submitters, no conflicts (2 of 4 stars). 2 submissions from 2 submitters: Likely benign (2). Last evaluated 2025-11-15.

Allele frequency attached by ClinVar (database versions not stated): gnomAD exomes 0.00005; ExAC 0.00013; gnomAD 0.00019; TOPMed 0.00025; 1000 Genomes Project 30x 0.00031; 1000 Genomes Project 0.00060.
gnomAD v4.1: 113 of 1,599,538 alleles (0.0071%); highest among the groups gnomAD compares: Middle Eastern, 0.1%; no homozygotes.

Submissions (2):

Labcorp Genetics (formerly Invitae), Labcorp
Classification: Likely benign. Last evaluated: 2025-11-15. Review status: criteria provided, single submitter. Criteria: Invitae Variant Classification Sherloc (09022015). Collection method: clinical testing. Allele origin: germline.

CeGaT Center for Human Genetics Tuebingen
Classification: Likely benign. Last evaluated: 2022-10-01. Review status: criteria provided, single submitter. Criteria: CeGaT Center For Human Genetics Tuebingen Variant Classification Criteria Version 2. Collection method: clinical testing. Allele origin: germline. Affected: yes. Observed: 1 variant allele.
Comment: FCSK: BP4, BP7